The following is an entry in ClinVar:

ClinVar aggregate classification (germline): Uncertain significance (1 of 4 stars; one submission).

Conditions:
Familial cold autoinflammatory syndrome 2 (FCAS2). Identifiers: Orphanet 247868, MedGen C2673198, MONDO:0012724, OMIM 611762.

Submission:

Labcorp Genetics (formerly Invitae), Labcorp
Classification: Uncertain significance for Familial cold autoinflammatory syndrome 2. Last evaluated: 2023-11-18. Review status: criteria provided, single submitter. Criteria: Invitae Variant Classification Sherloc (09022015). Collection method: clinical testing. Allele origin: unknown.
Comment: This variant results in a copy number gain of the genomic region encompassing exon(s) 10 of the NLRP12 gene. This region includes the termination codon of the gene. This copy number gain extends beyond the assayed region for this gene and therefore may encompass additional genes. As the precise location of this event is unknown, it may be in tandem or it may be located elsewhere in the genome. This variant has not been reported in the literature in individuals affected with NLRP12-related conditions. In summary, the available evidence is currently insufficient to determine the role of this variant in disease. Therefore, it has been classified as a Variant of Uncertain Significance.

NC_000019.9:g.(?_54297303)_(54297410_?)dup

Gene: NLRP12 (NLR family pyrin domain containing 12; minus strand). Cytogenetic location: 19q13.42.
Variant type: Duplication.
Identifiers: ClinVar variation 3248466 (VCV003248466.1).